The following is an entry in ClinVar:

ClinVar aggregate classification (germline): Uncertain significance (1 of 4 stars; one submission).

Conditions:
Hypertrophic cardiomyopathy. Also called: HYPERTROPHIC MYOCARDIOPATHY. Identifiers: Orphanet 217569, MedGen C0007194, MeSH D002312, MONDO:0005045, HP:0001639.

Submission:

Labcorp Genetics (formerly Invitae), Labcorp
Classification: Uncertain significance for Hypertrophic cardiomyopathy. Last evaluated: 2019-10-18. Review status: criteria provided, single submitter. Criteria: Invitae Variant Classification Sherloc (09022015). Collection method: clinical testing. Allele origin: germline.
Comment: In summary, the available evidence is currently insufficient to determine the role of this variant in disease. Therefore, it has been classified as a Variant of Uncertain Significance. Algorithms developed to predict the effect of missense changes on protein structure and function (SIFT, PolyPhen-2, Align-GVGD) all suggest that this variant is likely to be tolerated, but these predictions have not been confirmed by published functional studies and their clinical significance is uncertain. This variant has not been reported in the literature in individuals with MYBPC3-related conditions. This variant is not present in population databases (ExAC no frequency). This sequence change replaces threonine with serine at codon 1154 of the MYBPC3 protein (p.Thr1154Ser). The threonine residue is highly conserved and there is a small physicochemical difference between threonine and serine.

NM_000256.3(MYBPC3):c.3461C>G (p.Thr1154Ser)

Gene: MYBPC3 (myosin binding protein C3; minus strand). Cytogenetic location: 11p11.2.
Variant type: single nucleotide variant.
Coding change: c.3461C>G on transcript NM_000256.3 (MANE Select); coding-DNA position 3461, C replaced by G.
Protein change: p.Thr1154Ser; replaces threonine 1154 with serine.
Molecular consequence: missense variant.
Genome position (GRCh38, 1-based): chr11:47,332,843, G>C on the plus strand (C>G on the coding strand, the complement: MYBPC3 is on the minus strand). VCF-style: chr11-47332843-G-C. GRCh37 (hg19) VCF-style: chr11-47354394-G-C.
Other names: short protein forms T1154S.
Identifiers: ClinVar variation 934282 (VCV000934282.9), dbSNP rs779279057, ClinGen allele CA380313164.